The following is an entry in ClinVar:

NM_001042492.3(NF1):c.1564dup (p.Thr522fs)

Gene: NF1 (neurofibromin 1; plus strand). Cytogenetic location: 17q11.2.
Variant type: Duplication.
Coding change: c.1564dup on transcript NM_001042492.3 (MANE Select); coding-DNA position 1564, one base duplicated (A; older notation c.1564dupA).
Protein change: p.Thr522fs; shifts the reading frame from threonine 522.
Molecular consequence: frameshift variant.
Genome position (GRCh38, 1-based): chr17:31,219,041, A duplicated. VCF-style (leftmost placement, unchanged base first): chr17-31219040-T-TA. GRCh37 (hg19) VCF-style: chr17-29546058-T-TA.
Other names: c.1564dup, p.Thr522Asnfs (NM_000267.4); c.1564dup, p.Thr522fs (NM_001128147.3); short protein forms T522fs.
Identifiers: ClinVar variation 858595 (VCV000858595.7), dbSNP rs2066874810, ClinGen allele CA916080571.
Genomic context (GRCh38, chr17:31,219,040, plus strand): 5'-TGAAGTTTCCTTTTTTTCCTTGCAGAATCCAAGAAAACAGGGGCCCGAAACCCAAGGCAG[T>TA]ACAGCAGAATTAATTACAGGGCTCGTCCAACTGGTCCCTCAGTCACACATGCCAGAGATT-3'

ClinVar aggregate classification (germline): Pathogenic/Likely pathogenic. Review status: criteria provided, multiple submitters, no conflicts (2 of 4 stars). 2 submissions from 2 submitters: Pathogenic (1); Likely pathogenic (1). Last evaluated 2023-10-17.

Conditions:
Juvenile myelomonocytic leukemia (JMML). Also called: LEUKEMIA, JUVENILE MYELOMONOCYTIC, SOMATIC. Identifiers: Orphanet 86834, MedGen C0349639, MONDO:0011908, OMIM 607785, HP:0012209.
Neurofibromatosis, type 1 (NF1). Also called: Neurofibromatosis, type I; VON RECKLINGHAUSEN DISEASE; Peripheral type neurofibromatosis; NEUROFIBROMATOSIS, TYPE I, SOMATIC. Identifiers: Orphanet 636, MedGen C0027831, MONDO:0018975, OMIM 162200. Disease mechanism: loss of function.

Allele frequency attached by ClinVar (database versions not stated): gnomAD exomes below 0.00001.

Submissions (2):

Baylor Genetics
Classification: Likely pathogenic for Juvenile myelomonocytic leukemia. Last evaluated: 2023-10-17. Review status: criteria provided, single submitter. Criteria: ACMG Guidelines, 2015. Collection method: clinical testing. Allele origin: unknown.

Labcorp Genetics (formerly Invitae), Labcorp
Classification: Pathogenic for Neurofibromatosis, type 1. Last evaluated: 2022-07-03. Review status: criteria provided, single submitter. Criteria: Invitae Variant Classification Sherloc (09022015). Collection method: clinical testing. Allele origin: germline.
Comment: For these reasons, this variant has been classified as Pathogenic. ClinVar contains an entry for this variant (Variation ID: 858595). This variant has not been reported in the literature in individuals affected with NF1-related conditions. This variant is not present in population databases (gnomAD no frequency). This sequence change creates a premature translational stop signal (p.Thr522Asnfs*36) in the NF1 gene. It is expected to result in an absent or disrupted protein product. Loss-of-function variants in NF1 are known to be pathogenic (PMID: 10712197, 23913538).

Literature cited by the submitters: PubMed 10712197 (cited by Labcorp Genetics (formerly Invitae), Labcorp); PubMed 23913538 (cited by Labcorp Genetics (formerly Invitae), Labcorp).